The following is an entry in ClinVar:

ClinVar aggregate classification (germline): Uncertain significance (1 of 4 stars; one submission).

Conditions:
NPHP3-related disorder. Also called: NPHP3-related disorders; NPHP3-related condition. Identifiers: MedGen CN379163.

gnomAD v4.1: 29 of 1,609,490 alleles (0.0018%); highest among the groups gnomAD compares: Non-Finnish European, 0.0025%; no homozygotes.

Submission:

PreventionGenetics, part of Exact Sciences
Classification: Uncertain significance for NPHP3-related condition. Last evaluated: 2025-09-04. Review status: criteria provided, single submitter. Criteria: ACMG Guidelines, 2015. Collection method: clinical testing. Allele origin: germline.
Comment: The NPHP3 c.263C>T variant is predicted to result in the amino acid substitution p.Ala88Val. To our knowledge, this variant has not been reported in the literature. This variant is reported in 0.0018% of alleles in individuals of European (Non-Finnish) descent in gnomAD. At this time, the clinical significance of this variant is uncertain due to the absence of conclusive functional and genetic evidence.

NM_153240.5(NPHP3):c.263C>T (p.Ala88Val)

Genes: NPHP3 (nephrocystin 3; minus strand), NPHP3-ACAD11 (NPHP3-ACAD11 readthrough (NMD candidate); minus strand), NPHP3-AS1 (NPHP3 antisense RNA 1; plus strand), LOC129937586 (ATAC-STARR-seq lymphoblastoid silent region 14743; plus strand). Cytogenetic location: 3q22.1.
Variant type: single nucleotide variant.
Coding change: c.263C>T on transcript NM_153240.5 (MANE Select); coding-DNA position 263, C replaced by T.
Protein change: p.Ala88Val; replaces alanine 88 with valine.
Molecular consequence: missense variant. On other transcripts: non-coding transcript variant (3).
Genome position (GRCh38, 1-based): chr3:132,722,093, G>A on the plus strand (C>T on the coding strand, the complement: NPHP3 is on the minus strand). VCF-style: chr3-132722093-G-A. GRCh37 (hg19) VCF-style: chr3-132440937-G-A.
Other names: short protein forms A88V.
Identifiers: ClinVar variation 4983117 (VCV004983117.1).